The following is an entry in ClinVar:

NM_004655.4(AXIN2):c.843T>C (p.Asn281=)

Gene: AXIN2 (axin 2; minus strand). Cytogenetic location: 17q24.1.
Variant type: single nucleotide variant.
Coding change: c.843T>C on transcript NM_004655.4 (MANE Select); coding-DNA position 843, T replaced by C.
Protein change: p.Asn281=; no amino-acid change (asparagine 281 retained).
Molecular consequence: synonymous variant.
Genome position (GRCh38, 1-based): chr17:65,549,633, A>G on the plus strand (T>C on the coding strand, the complement: AXIN2 is on the minus strand). VCF-style: chr17-65549633-A-G. GRCh37 (hg19) VCF-style: chr17-63545751-A-G.
Other names: c.843T>C, p.Asn281= (NM_001363813.1).
Identifiers: ClinVar variation 1763400 (VCV001763400.3), dbSNP rs2544218516, ClinGen allele CA501476734.

ClinVar aggregate classification (germline): Benign/Likely benign. Review status: criteria provided, multiple submitters, no conflicts (2 of 4 stars). 2 submissions from 2 submitters: Benign (1); Likely benign (1). Last evaluated 2024-06-27.

Conditions:
Hereditary cancer-predisposing syndrome. Also called: Neoplastic Syndromes, Hereditary; Tumor predisposition; Hereditary Cancer Syndrome; Hereditary neoplastic syndrome. Identifiers: Orphanet 140162, MedGen C0027672, MeSH D009386, MONDO:0015356.
Oligodontia-cancer predisposition syndrome. Also called: TOOTH AGENESIS-COLORECTAL CANCER SYNDROME. Identifiers: Orphanet 300576, MedGen C1837750, MONDO:0012075, OMIM 608615. Disease mechanism: loss of function.

Submissions (2):

Myriad Genetics, Inc.
Classification: Benign for Oligodontia-cancer predisposition syndrome. Last evaluated: 2024-06-27. Review status: criteria provided, single submitter. Criteria: Myriad Autosomal Dominant, Autosomal Recessive and X-Linked Classification Criteria (2023). Collection method: clinical testing. Allele origin: unknown.
Comment: This variant is considered benign. This variant is a silent/synonymous amino acid change and it is not expected to impact splicing.

Ambry Genetics
Classification: Likely benign for Hereditary cancer-predisposing syndrome. Last evaluated: 2019-06-10. Review status: criteria provided, single submitter. Criteria: Ambry Variant Classification Scheme 2023. Collection method: clinical testing. Allele origin: germline.